The following is an entry in ClinVar:

ClinVar aggregate classification (germline): Pathogenic (1 of 4 stars; one submission).

Conditions:
Marfan syndrome (MFS). Also called: MARFAN SYNDROME, TYPE I; FBN1-Related Marfan Syndrome; Marfan syndrome type 1; Marfan's syndrome; Marfan syndrome, classic. Identifiers: Orphanet 284963, Orphanet 558, MedGen C0024796, MONDO:0007947, OMIM 154700.
Familial thoracic aortic aneurysm and aortic dissection (TAAD). Also called: Thoracic aortic aneurysms and dissections. Identifiers: Orphanet 91387, MedGen C4707243, MONDO:0019625.

Submission:

Labcorp Genetics (formerly Invitae), Labcorp
Classification: Pathogenic for Marfan syndrome; Familial thoracic aortic aneurysm and aortic dissection. Last evaluated: 2024-02-23. Review status: criteria provided, single submitter. Criteria: Invitae Variant Classification Sherloc (09022015). Collection method: clinical testing. Allele origin: germline.
Comment: This sequence change creates a premature translational stop signal (p.Glu2779*) in the FBN1 gene. While this is not anticipated to result in nonsense mediated decay, it is expected to disrupt the last 93 amino acid(s) of the FBN1 protein. This variant is not present in population databases (gnomAD no frequency). This premature translational stop signal has been observed in individual(s) with neurodevelopmental disorder (PMID: 31785789). ClinVar contains an entry for this variant (Variation ID: 457271). This variant disrupts a region of the FBN1 protein in which other variant(s) (p.Gln2867*) have been determined to be pathogenic (PMID: 19293843). This suggests that this is a clinically significant region of the protein, and that variants that disrupt it are likely to be disease-causing. For these reasons, this variant has been classified as Pathogenic.

Literature cited by the submitters: PubMed 31785789; PubMed 19293843.

NM_000138.5(FBN1):c.8335G>T (p.Glu2779Ter)

Gene: FBN1 (fibrillin 1; minus strand). Cytogenetic location: 15q21.1.
Variant type: single nucleotide variant.
Coding change: c.8335G>T on transcript NM_000138.5 (MANE Select); coding-DNA position 8335, G replaced by T.
Protein change: p.Glu2779Ter; replaces glutamic acid 2779 with a stop codon.
Molecular consequence: nonsense.
Genome position (GRCh38, 1-based): chr15:48,411,271, C>A on the plus strand (G>T on the coding strand, the complement: FBN1 is on the minus strand). VCF-style: chr15-48411271-C-A. GRCh37 (hg19) VCF-style: chr15-48703468-C-A.
Other names: short protein forms E2779*.
Identifiers: ClinVar variation 457271 (VCV000457271.8), dbSNP rs1555393551, ClinGen allele CA392319546.